The following is an entry in ClinVar:

ClinVar aggregate classification (germline): Uncertain significance (1 of 4 stars; one submission).

Conditions:
Inborn genetic diseases. Identifiers: MedGen C0950123, MeSH D030342.

Submission:

Ambry Genetics
Classification: Uncertain significance for Inborn genetic diseases. Last evaluated: 2025-07-31. Review status: criteria provided, single submitter. Criteria: Ambry Variant Classification Scheme 2023. Collection method: clinical testing. Allele origin: germline.
Comment: The p.P205T variant (also known as c.613C>A), located in coding exon 6 of the USB1 gene, results from a C to A substitution at nucleotide position 613. The proline at codon 205 is replaced by threonine, an amino acid with highly similar properties. This amino acid position is conserved. In addition, the in silico prediction for this alteration is inconclusive. Based on the available evidence, the clinical significance of this variant remains unclear.

NM_024598.4(USB1):c.613C>A (p.Pro205Thr)

Gene: USB1 (U6 snRNA biogenesis phosphodiesterase 1; plus strand). Cytogenetic location: 16q21.
Variant type: single nucleotide variant.
Coding change: c.613C>A on transcript NM_024598.4 (MANE Select); coding-DNA position 613, C replaced by A.
Protein change: p.Pro205Thr; replaces proline 205 with threonine.
Molecular consequence: missense variant.
Genome position (GRCh38, 1-based): chr16:58,018,975, C>A. VCF-style: chr16-58018975-C-A. GRCh37 (hg19) VCF-style: chr16-58052879-C-A.
Other names: c.559C>A, p.Pro187Thr (NM_001195302.2); c.460C>A, p.Pro154Thr (NM_001330568.2); short protein forms P187T, P205T, P154T.
Identifiers: ClinVar variation 4196805 (VCV004196805.1).
Genomic context (GRCh38, chr16:58,018,975, plus strand): 5'-AGGGCAGGGCCTGCCAAGGCGTCCGGGTGACTGCCTGCCTCTCGTTTCCCTCCCCAGGAT[C>A]CTTCTTTCCACCTCAGCCTGGCCTGGTGTGTGGGTGATGCACGTCTCCAGCTGGAGGGGC-3'
Protein context (NP_078874.2, residues 195-215): EFNLTTFYQD[Pro205Thr]SFHLSLAWCV